The following is an entry in ClinVar:

NM_001393530.1(MATN4):c.163C>T (p.Gln55Ter)

Gene: MATN4 (matrilin 4; minus strand). Cytogenetic location: 20q13.12.
Variant type: single nucleotide variant.
Coding change: c.163C>T on transcript NM_001393530.1 (MANE Select); coding-DNA position 163, C replaced by T.
Protein change: p.Gln55Ter; replaces glutamine 55 with a stop codon.
Molecular consequence: nonsense.
Genome position (GRCh38, 1-based): chr20:45,304,708, G>A on the plus strand (C>T on the coding strand, the complement: MATN4 is on the minus strand). VCF-style: chr20-45304708-G-A. GRCh37 (hg19) VCF-style: chr20-43933348-G-A.
Other names: c.163C>T, p.Gln55Ter (NM_001393531.1, NM_003833.5, NM_030590.4 and 1 more transcripts); short protein forms Q55*.
Identifiers: ClinVar variation 3033375 (VCV003033375.2), dbSNP rs2233091, ClinGen allele CA9876310.

ClinVar aggregate classification (germline): Likely benign (0 of 4 stars; one submission).

Conditions:
MATN4-related disorder. Also called: MATN4-related condition.

Allele frequency attached by ClinVar (database versions not stated): 1000 Genomes Project 30x 0.00016; 1000 Genomes Project 0.00020; ESP Exome Variant Server 0.00100; gnomAD 0.00100; ExAC 0.00111; TOPMed 0.00118.

Submission:

PreventionGenetics, part of Exact Sciences
Classification: Likely benign for MATN4-related condition. Last evaluated: 2022-10-31. Review status: no assertion criteria provided. Collection method: clinical testing. Allele origin: germline.
Comment: This variant is classified as likely benign based on ACMG/AMP sequence variant interpretation guidelines (Richards et al. 2015 PMID: 25741868, with internal and published modifications).